The following is an entry in ClinVar:

ClinVar aggregate classification (germline): Uncertain significance. Review status: criteria provided, multiple submitters, no conflicts (2 of 4 stars). 3 submissions from 3 submitters: Uncertain significance (3). Last evaluated 2025-04-29.

Conditions:
Neuroblastoma, susceptibility to, 3. Also called: ALK-Related Neuroblastic Tumor Susceptibility. Identifiers: Orphanet 635, MedGen C2751681, MONDO:0013083, OMIM 613014.
Hereditary cancer-predisposing syndrome. Also called: Hereditary neoplastic syndrome; Neoplastic Syndromes, Hereditary; Hereditary Cancer Syndrome; Tumor predisposition. Identifiers: Orphanet 140162, MedGen C0027672, MeSH D009386, MONDO:0015356.

Allele frequency attached by ClinVar (database versions not stated): TOPMed 0.00002.

Submissions (3):

Labcorp Genetics (formerly Invitae), Labcorp
Classification: Uncertain significance for Neuroblastoma, susceptibility to, 3. Last evaluated: 2025-04-29. Review status: criteria provided, single submitter. Criteria: Invitae Variant Classification Sherloc (09022015). Collection method: clinical testing. Allele origin: germline.
Comment: This sequence change replaces glycine, which is neutral and non-polar, with glutamic acid, which is acidic and polar, at codon 1316 of the ALK protein (p.Gly1316Glu). This variant is not present in population databases (gnomAD no frequency). This variant has not been reported in the literature in individuals affected with ALK-related conditions. ClinVar contains an entry for this variant (Variation ID: 574488). An algorithm developed to predict the effect of missense changes on protein structure and function (PolyPhen-2) suggests that this variant is likely to be disruptive. In summary, the available evidence is currently insufficient to determine the role of this variant in disease. Therefore, it has been classified as a Variant of Uncertain Significance.

Ambry Genetics
Classification: Uncertain significance for Hereditary cancer-predisposing syndrome. Last evaluated: 2025-04-12. Review status: criteria provided, single submitter. Criteria: Ambry Variant Classification Scheme 2023. Collection method: clinical testing. Allele origin: germline.
Comment: The p.G1316E variant (also known as c.3947G>A), located in coding exon 27 of the ALK gene, results from a G to A substitution at nucleotide position 3947. The glycine at codon 1316 is replaced by glutamic acid, an amino acid with similar properties. This amino acid position is conserved. In addition, this alteration is predicted to be deleterious by in silico analysis. Since supporting evidence is limited at this time, the clinical significance of this alteration remains unclear.

GeneDx
Classification: Uncertain significance. Last evaluated: 2022-05-06. Review status: criteria provided, single submitter. Criteria: GeneDx Variant Classification Process June 2021. Collection method: clinical testing. Allele origin: germline. Affected: yes.
Comment: Not observed at significant frequency in large population cohorts (gnomAD); In silico analysis supports that this missense variant has a deleterious effect on protein structure/function; Has not been previously published as pathogenic or benign to our knowledge

NM_004304.5(ALK):c.3947G>A (p.Gly1316Glu)

Gene: ALK (ALK receptor tyrosine kinase; minus strand). Cytogenetic location: 2p23.2.
Variant type: single nucleotide variant.
Coding change: c.3947G>A on transcript NM_004304.5 (MANE Select); coding-DNA position 3947, G replaced by A.
Protein change: p.Gly1316Glu; replaces glycine 1316 with glutamic acid.
Molecular consequence: missense variant.
Genome position (GRCh38, 1-based): chr2:29,197,668, C>T on the plus strand (G>A on the coding strand, the complement: ALK is on the minus strand). VCF-style: chr2-29197668-C-T. GRCh37 (hg19) VCF-style: chr2-29420534-C-T.
Other names: c.743G>A, p.Gly248Glu (NM_001353765.2); short protein forms G1316E, G248E.
Identifiers: ClinVar variation 574488 (VCV000574488.15), dbSNP rs1285677926, ClinGen allele CA346466490.